The following is an entry in ClinVar:

NM_001080467.3(MYO5B):c.3961G>T (p.Gly1321Ter)

Gene: MYO5B (myosin VB; minus strand). Cytogenetic location: 18q21.1.
Variant type: single nucleotide variant.
Coding change: c.3961G>T on transcript NM_001080467.3 (MANE Select); coding-DNA position 3961, G replaced by T.
Protein change: p.Gly1321Ter; replaces glycine 1321 with a stop codon.
Molecular consequence: nonsense.
Genome position (GRCh38, 1-based): chr18:49,856,874, C>A on the plus strand (G>T on the coding strand, the complement: MYO5B is on the minus strand). VCF-style: chr18-49856874-C-A. GRCh37 (hg19) VCF-style: chr18-47383244-C-A.
Other names: short protein forms G1321*.
Identifiers: ClinVar variation 1358635 (VCV001358635.6), dbSNP rs932171818, ClinGen allele CA402427097.

ClinVar aggregate classification (germline): Pathogenic (1 of 4 stars; one submission).

Submission:

Labcorp Genetics (formerly Invitae), Labcorp
Classification: Pathogenic. Last evaluated: 2022-06-05. Review status: criteria provided, single submitter. Criteria: Invitae Variant Classification Sherloc (09022015). Collection method: clinical testing. Allele origin: germline.
Comment: This sequence change creates a premature translational stop signal (p.Gly1321*) in the MYO5B gene. It is expected to result in an absent or disrupted protein product. Loss-of-function variants in MYO5B are known to be pathogenic (PMID: 18724368, 20186687). This variant is not present in population databases (gnomAD no frequency). This variant has not been reported in the literature in individuals affected with MYO5B-related conditions. ClinVar contains an entry for this variant (Variation ID: 1358635). For these reasons, this variant has been classified as Pathogenic.

Literature cited by the submitters: PubMed 18724368; PubMed 20186687.